The following is an entry in ClinVar:

NM_144643.4(SCLT1):c.1436C>T (p.Thr479Ile)

Gene: SCLT1 (sodium channel and clathrin linker 1; minus strand). Cytogenetic location: 4q28.2.
Variant type: single nucleotide variant.
Coding change: c.1436C>T on transcript NM_144643.4 (MANE Select); coding-DNA position 1436, C replaced by T.
Protein change: p.Thr479Ile; replaces threonine 479 with isoleucine.
Molecular consequence: missense variant.
Genome position (GRCh38, 1-based): chr4:128,946,010, G>A on the plus strand (C>T on the coding strand, the complement: SCLT1 is on the minus strand). VCF-style: chr4-128946010-G-A. GRCh37 (hg19) VCF-style: chr4-129867165-G-A.
Other names: short protein forms T479I.
Identifiers: ClinVar variation 1465153 (VCV001465153.8), dbSNP rs768144691, ClinGen allele CA3079631.

ClinVar aggregate classification (germline): Uncertain significance (1 of 4 stars; one submission).

Allele frequency attached by ClinVar (database versions not stated): gnomAD 0.00001; TOPMed 0.00001; ExAC 0.00012.
gnomAD v4.1: 37 of 1,598,960 alleles (0.0023%); highest among the groups gnomAD compares: Non-Finnish European, 0.003%; no homozygotes.

Submission:

Labcorp Genetics (formerly Invitae), Labcorp
Classification: Uncertain significance. Last evaluated: 2022-07-19. Review status: criteria provided, single submitter. Criteria: Invitae Variant Classification Sherloc (09022015). Collection method: clinical testing. Allele origin: germline.
Comment: In summary, the available evidence is currently insufficient to determine the role of this variant in disease. Therefore, it has been classified as a Variant of Uncertain Significance. Algorithms developed to predict the effect of missense changes on protein structure and function output the following: SIFT: "Tolerated"; PolyPhen-2: "Benign"; Align-GVGD: "Class C0". The isoleucine amino acid residue is found in multiple mammalian species, which suggests that this missense change does not adversely affect protein function. ClinVar contains an entry for this variant (Variation ID: 1465153). This variant has not been reported in the literature in individuals affected with SCLT1-related conditions. This variant is present in population databases (rs768144691, gnomAD 0.01%). This sequence change replaces threonine, which is neutral and polar, with isoleucine, which is neutral and non-polar, at codon 479 of the SCLT1 protein (p.Thr479Ile).